The following is an entry in ClinVar:

ClinVar aggregate classification (germline): Uncertain significance (1 of 4 stars; one submission).

Conditions:
Cardiovascular phenotype. Identifiers: MedGen CN230736.

Allele frequency attached by ClinVar (database versions not stated): ExAC 0.00002; gnomAD 0.00005; TOPMed 0.00005.
gnomAD v4.1: 28 of 1,613,106 alleles (0.0017%); highest among the groups gnomAD compares: African/African-American, 0.0027%; no homozygotes.

Submission:

Ambry Genetics
Classification: Uncertain significance for Cardiovascular phenotype. Last evaluated: 2020-02-28. Review status: criteria provided, single submitter. Criteria: Ambry Variant Classification Scheme 2023. Collection method: clinical testing. Allele origin: germline.
Comment: The p.N12264S variant (also known as c.36791A>G), located in coding exon 134 of the TTN gene, results from an A to G substitution at nucleotide position 36791. The asparagine at codon 12264 is replaced by serine, an amino acid with highly similar properties. This amino acid position is highly conserved in available vertebrate species. In addition, this alteration is predicted to be tolerated by in silico analysis. Since supporting evidence is limited at this time, the clinical significance of this alteration remains unclear.

NM_001267550.2(TTN):c.63986A>G (p.Asn21329Ser)

Genes: TTN (titin; minus strand), TTN-AS1 (TTN antisense RNA 1; plus strand). Cytogenetic location: 2q31.2.
Variant type: single nucleotide variant.
Coding change: c.63986A>G on transcript NM_001267550.2 (MANE Select); coding-DNA position 63986, A replaced by G.
Protein change: p.Asn21329Ser; replaces asparagine 21329 with serine.
Molecular consequence: missense variant.
Genome position (GRCh38, 1-based): chr2:178,587,225, T>C on the plus strand (A>G on the coding strand, the complement: TTN is on the minus strand). VCF-style: chr2-178587225-T-C. GRCh37 (hg19) VCF-style: chr2-179451952-T-C.
Other names: c.59063A>G, p.Asn19688Ser (NM_001256850.1); c.36791A>G, p.Asn12264Ser (NM_003319.4); c.56282A>G, p.Asn18761Ser (NM_133378.4); c.37166A>G, p.Asn12389Ser (NM_133432.3); c.37367A>G, p.Asn12456Ser (NM_133437.4); short protein forms N12264S, N12456S, N12389S, N21329S, N18761S, N19688S.
Identifiers: ClinVar variation 1733850 (VCV001733850.2), dbSNP rs754342548, ClinGen allele CA1991990.